The following is an entry in ClinVar:

ClinVar aggregate classification (germline): Pathogenic. Review status: criteria provided, multiple submitters, no conflicts (2 of 4 stars). 2 submissions from 2 submitters: Pathogenic (2). Last evaluated 2025-11-19.

Conditions:
GNPTG-mucolipidosis. Also called: ML III GAMMA; ML IIIC; Mucolipidosis type III gamma; MUCOLIPIDOSIS III, COMPLEMENTATION GROUP C; MUCOLIPIDOSIS III, IRANIAN VARIANT FORM; MUCOLIPIDOSIS III, VARIANT FORM. Identifiers: Orphanet 423470, Orphanet 577, MedGen C1854896, MONDO:0009652, OMIM 252605.

Submissions (2):

Natera, Inc.
Classification: Pathogenic for Mucolipidosis III gamma. Last evaluated: 2025-11-19. Review status: criteria provided, single submitter. Criteria: Natera Variant Classification Schema (03/2026). Collection method: clinical testing. Allele origin: germline.
Comment: The c.514dup variant in GNPTG is a frameshift variant predicted to shift the reading frame beginning at codon 172 and leads to a stop codon 27 codons downstream. This variant is expected to result in nonsense mediated decay, truncation, or a dysfunctional protein product. This variant is rare in the general population with a frequency below the threshold expected for the associated phenotype(s). This variant has been observed in one or more individuals affected with the associated recessive disease, as either homozygous or compound heterozygous with a second variant (PMID: 24316125). Given the available evidence, this variant is classified as Pathogenic.

Fulgent Genetics
Classification: Pathogenic for GNPTG-mucolipidosis. Last evaluated: 2024-04-29. Review status: criteria provided, single submitter. Criteria: ACMG Guidelines, 2015. Collection method: clinical testing. Allele origin: germline.

Literature cited by the submitters: PubMed 24316125 (cited by Natera, Inc.).

NM_032520.5(GNPTG):c.514dup (p.His172fs)

Gene: GNPTG (N-acetylglucosamine-1-phosphate transferase subunit gamma; plus strand). Cytogenetic location: 16p13.3.
Variant type: Duplication.
Coding change: c.514dup on transcript NM_032520.5 (MANE Select); coding-DNA position 514, one base duplicated (C; older notation c.514dupC).
Protein change: p.His172fs; shifts the reading frame from histidine 172.
Molecular consequence: frameshift variant.
Genome position (GRCh38, 1-based): chr16:1,362,308, C duplicated; the last of 5 consecutive C bases (chr16:1,362,304-1,362,308); duplicating any one gives the same sequence. VCF-style (leftmost placement, unchanged base first): chr16-1362303-A-AC. GRCh37 (hg19) VCF-style: chr16-1412304-A-AC.
Other names: c.514dup (NM_032520.4); short protein forms H172fs.
Identifiers: ClinVar variation 3578452 (VCV003578452.2).